The following is an entry in ClinVar:

ClinVar aggregate classification (germline): Likely pathogenic (1 of 4 stars; one submission).

Conditions:
Cystic fibrosis (CF). Also called: MUCOVISCIDOSIS. Identifiers: Orphanet 586, MedGen C0010674, MONDO:0009061, OMIM 219700. Disease mechanism: loss of function.

Submission:

Laboratory for Molecular Medicine, Mass General Brigham Personalized Medicine
Classification: Likely pathogenic for Cystic fibrosis. Last evaluated: 2023-02-02. Review status: criteria provided, single submitter. Criteria: ACMG Guidelines, 2015. Collection method: clinical testing. Allele origin: germline.
Comment: The p.Tyr1182X in CFTR has not been previously reported in individuals with cystic fibrosis and was absent from large population studies. This nonsense variant leads to a premature termination codon at position 1182, which is predicted to lead to a truncated or absent protein. Loss of function of the CFTR gene is an established disease mechanism in autosomal recessive cystic fibrosis. Another variant at the same codon also resulting in a nonsense variant has been reported as disease causing. In summary, although additional studies are required to fully establish its clinical significance, this variant meets criteria to be classified as likely pathogenic for autosomal recessive cystic fibrosis. ACMG/AMP Criteria applied: PVS1, PM2_Supporting.

NM_000492.4(CFTR):c.3546C>A (p.Tyr1182Ter)

Genes: CFTR (CF transmembrane conductance regulator; plus strand), CFTR-AS2 (CFTR antisense RNA 2; minus strand). Cytogenetic location: 7q31.2.
Variant type: single nucleotide variant.
Coding change: c.3546C>A on transcript NM_000492.4 (MANE Select); coding-DNA position 3546, C replaced by A.
Protein change: p.Tyr1182Ter; replaces tyrosine 1182 with a stop codon.
Molecular consequence: nonsense.
Genome position (GRCh38, 1-based): chr7:117,627,599, C>A. VCF-style: chr7-117627599-C-A. GRCh37 (hg19) VCF-style: chr7-117267653-C-A.
Other names: short protein forms Y1182*.
Identifiers: ClinVar variation 3075915 (VCV003075915.1), dbSNP rs397508581, ClinGen allele CA368996342.